The following is an entry in ClinVar:

NM_000760.4(CSF3R):c.2393G>A (p.Gly798Glu)

Gene: CSF3R (colony stimulating factor 3 receptor; minus strand). Cytogenetic location: 1p34.3.
Variant type: single nucleotide variant.
Coding change: c.2393G>A on transcript NM_000760.4 (MANE Select); coding-DNA position 2393, G replaced by A.
Protein change: p.Gly798Glu; replaces glycine 798 with glutamic acid.
Molecular consequence: missense variant. On other transcripts: intron variant (1).
Genome position (GRCh38, 1-based): chr1:36,466,475, C>T on the plus strand (G>A on the coding strand, the complement: CSF3R is on the minus strand). VCF-style: chr1-36466475-C-T. GRCh37 (hg19) VCF-style: chr1-36932076-C-T.
Other names: c.2474G>A, p.Gly825Glu (NM_156039.3); c.2247+146G>A (NM_172313.3); short protein forms G798E, G825E.
Identifiers: ClinVar variation 3651206 (VCV003651206.2).

ClinVar aggregate classification (germline): Uncertain significance (1 of 4 stars; one submission).

Conditions:
Autosomal recessive severe congenital neutropenia due to CSF3R deficiency. Also called: Neutropenia, severe congenital, 7, autosomal recessive. Identifiers: Orphanet 420702, MedGen C4310764, MONDO:0014865, OMIM 617014.

gnomAD v4.1: 8 of 1,611,624 alleles (0.0005%); highest among the groups gnomAD compares: Non-Finnish European, 0.00068%; no homozygotes.

Submission:

Labcorp Genetics (formerly Invitae), Labcorp
Classification: Uncertain significance for Autosomal recessive severe congenital neutropenia due to CSF3R deficiency. Last evaluated: 2024-04-25. Review status: criteria provided, single submitter. Criteria: Invitae Variant Classification Sherloc (09022015). Collection method: clinical testing. Allele origin: germline.
Comment: This sequence change replaces glycine, which is neutral and non-polar, with glutamic acid, which is acidic and polar, at codon 798 of the CSF3R protein (p.Gly798Glu). This variant is not present in population databases (gnomAD no frequency). This variant has not been reported in the literature in individuals affected with CSF3R-related conditions. Algorithms developed to predict the effect of missense changes on protein structure and function output the following: SIFT: "Not Available"; PolyPhen-2: "Benign"; Align-GVGD: "Not Available". The glutamic acid amino acid residue is found in multiple mammalian species, which suggests that this missense change does not adversely affect protein function. In summary, the available evidence is currently insufficient to determine the role of this variant in disease. Therefore, it has been classified as a Variant of Uncertain Significance.